The following is an entry in ClinVar:

ClinVar aggregate classification (germline): Uncertain significance (1 of 4 stars; one submission).

Conditions:
Hereditary cancer-predisposing syndrome. Also called: Hereditary neoplastic syndrome; Neoplastic Syndromes, Hereditary; Tumor predisposition; Hereditary Cancer Syndrome. Identifiers: Orphanet 140162, MedGen C0027672, MeSH D009386, MONDO:0015356.

Submission:

Ambry Genetics
Classification: Uncertain significance for Hereditary cancer-predisposing syndrome. Last evaluated: 2023-02-13. Review status: criteria provided, single submitter. Criteria: Ambry Variant Classification Scheme 2023. Collection method: clinical testing. Allele origin: germline.
Comment: The p.E10A variant (also known as c.29A>C), located in coding exon 1 of the CDKN2A gene, results from an A to C substitution at nucleotide position 29. The glutamic acid at codon 10 is replaced by alanine, an amino acid with dissimilar properties. This amino acid position is poorly conserved in available vertebrate species. In addition, this alteration is predicted to be tolerated by in silico analysis. Since supporting evidence is limited at this time, the clinical significance of this alteration remains unclear.

NM_000077.5(CDKN2A):c.29A>C (p.Glu10Ala)

Gene: CDKN2A (cyclin dependent kinase inhibitor 2A; minus strand). Cytogenetic location: 9p21.3.
Variant type: single nucleotide variant.
Coding change: c.29A>C on transcript NM_000077.5; coding-DNA position 29, A replaced by C.
Protein change: p.Glu10Ala; replaces glutamic acid 10 with alanine.
Molecular consequence: missense variant (on NM_000077.6). On other transcripts: intron variant (2).
Genome position (GRCh38, 1-based): chr9:21,974,799, T>G on the plus strand (A>C on the coding strand, the complement: CDKN2A is on the minus strand). VCF-style: chr9-21974799-T-G. GRCh37 (hg19) VCF-style: chr9-21974798-T-G.
Other names: c.29A>C, p.Glu10Ala (NM_000077.6, NM_001195132.2, NM_058197.5); c.-3-3591A>C (NM_001363763.2); c.194-3591A>C (NM_058195.4); short protein forms E10A.
Identifiers: ClinVar variation 1798627 (VCV001798627.3), dbSNP rs2131113902, ClinGen allele CA373086686.